The following is an entry in ClinVar:

ClinVar aggregate classification (germline): Benign. Review status: criteria provided, multiple submitters, no conflicts (2 of 4 stars). 3 submissions from 3 submitters: Benign (3). Last evaluated 2023-03-01.

Allele frequency attached by ClinVar (database versions not stated): 1000 Genomes Project 0.00439; 1000 Genomes Project 30x 0.00468; TOPMed 0.00810; ESP Exome Variant Server 0.00815.
gnomAD v4.1: 15,166 of 1,613,962 alleles (0.94%); highest among the groups gnomAD compares: Non-Finnish European, 1.1%; 104 homozygotes.

Submissions (3):

CeGaT Center for Human Genetics Tuebingen
Classification: Benign. Last evaluated: 2023-03-01. Review status: criteria provided, single submitter. Criteria: CeGaT Center For Human Genetics Tuebingen Variant Classification Criteria Version 2. Collection method: clinical testing. Allele origin: germline. Affected: yes. Observed: 1 variant allele.
Comment: INAVA: BP4, BS1, BS2

Labcorp Genetics (formerly Invitae), Labcorp
Classification: Benign. Last evaluated: 2018-06-27. Review status: criteria provided, single submitter. Criteria: Invitae Variant Classification Sherloc (09022015). Collection method: clinical testing. Allele origin: germline.

Breakthrough Genomics
Classification: Benign. Review status: criteria provided, single submitter. Criteria: ACMG Guidelines, 2015. Collection method: not provided. Allele origin: germline. Inheritance: Autosomal dominant inheritance. Affected: yes.

NM_001142569.3(INAVA):c.44T>A (p.Ile15Asn)

Gene: INAVA (innate immunity activator; plus strand). Cytogenetic location: 1q32.1.
Variant type: single nucleotide variant.
Coding change: c.44T>A on transcript NM_001142569.3 (MANE Select); coding-DNA position 44, T replaced by A.
Protein change: p.Ile15Asn; replaces isoleucine 15 with asparagine.
Molecular consequence: missense variant. On other transcripts: 5 prime UTR variant (1).
Genome position (GRCh38, 1-based): chr1:200,898,444, T>A. VCF-style: chr1-200898444-T-A. GRCh37 (hg19) VCF-style: chr1-200867572-T-A.
Other names: c.44T>A, p.Ile15Asn (NM_001367289.1); c.-492T>A (NM_001367290.1); c.299T>A, p.Ile100Asn (NM_018265.4); short protein forms I15N, I100N.
Identifiers: ClinVar variation 786759 (VCV000786759.28), dbSNP rs41269923, ClinGen allele CA1319735.